The following is an entry in ClinVar:

NM_002072.5(GNAQ):c.267C>T (p.Ala89=)

Gene: GNAQ (G protein subunit alpha q; minus strand). Cytogenetic location: 9q21.2.
Variant type: single nucleotide variant.
Coding change: c.267C>T on transcript NM_002072.5 (MANE Select); coding-DNA position 267, C replaced by T.
Protein change: p.Ala89=; no amino-acid change (alanine 89 retained).
Molecular consequence: synonymous variant.
Genome position (GRCh38, 1-based): chr9:77,922,215, G>A on the plus strand (C>T on the coding strand, the complement: GNAQ is on the minus strand). VCF-style: chr9-77922215-G-A. GRCh37 (hg19) VCF-style: chr9-80537131-G-A.
Identifiers: ClinVar variation 2659271 (VCV002659271.24), dbSNP rs2537824125, ClinGen allele CA465579887.

ClinVar aggregate classification (germline): Likely benign (1 of 4 stars; one submission).

Submission:

CeGaT Center for Human Genetics Tuebingen
Classification: Likely benign. Last evaluated: 2023-08-01. Review status: criteria provided, single submitter. Criteria: CeGaT Center For Human Genetics Tuebingen Variant Classification Criteria Version 2. Collection method: clinical testing. Allele origin: germline. Affected: yes. Observed: 1 variant allele.
Comment: GNAQ: PM2:Supporting, BP4, BP7